The following is an entry in ClinVar:

ClinVar aggregate classification (germline): Benign. Review status: reviewed by expert panel (3 of 4 stars). 26 submissions from 26 submitters: Benign (1). 25 of the submissions do not count toward it. Last evaluated 2024-06-25.
ClinVar aggregate classification (oncogenicity): Benign (1 of 4 stars; one submission).

Conditions:
Von Hippel-Lindau syndrome (VHLS). Also called: VHL syndrome; von Hippel–Lindau syndrome; Von Hippel-Lindau. Identifiers: Orphanet 892, MedGen C0019562, MONDO:0008667, OMIM 193300. Disease mechanism: loss of function.
Chuvash polycythemia. Also called: POLYCYTHEMIA, VHL-DEPENDENT. Identifiers: Orphanet 238557, MedGen C1837915, MONDO:0009892, OMIM 263400.
Hereditary cancer-predisposing syndrome. Also called: Tumor predisposition; Hereditary neoplastic syndrome; Neoplastic Syndromes, Hereditary; Hereditary Cancer Syndrome. Identifiers: Orphanet 140162, MedGen C0027672, MeSH D009386, MONDO:0015356.
Neoplasm. Also called: Neoplasms; Neoplasm (disease); tumor. Identifiers: MedGen C0027651, MeSH D009369, MONDO:0005070, HP:0002664.

Allele frequency attached by ClinVar (database versions not stated): 1000 Genomes Project 30x 0.00016; 1000 Genomes Project 0.00020; ExAC 0.00046; gnomAD exomes 0.00049 and 0.00093; gnomAD 0.00050 and 0.00051; TOPMed 0.00055; ESP Exome Variant Server 0.00085.
gnomAD v4.1: 1,404 of 1,613,158 alleles (0.087%); highest among the groups gnomAD compares: Non-Finnish European, 0.12%; 1 homozygote.

Submissions 1 to 18 of 27:

ClinGen VHL Variant Curation Expert Panel, ClinGen
Classification: Benign for Von Hippel-Lindau syndrome. Last evaluated: 2024-06-25. Review status: reviewed by expert panel. Criteria: ClinGen VHL VCEP ACMG Specifications VHL V1. Collection method: curation. Allele origin: germline. Inheritance: Autosomal dominant inheritance.
Comment: The variant NM_000551.4(VHL):c.463+8C>T is an intronic variant. The GroupMax Filtering Allele Frequency (95% CI) in gnomAD v4.1.0 is 0.001101 (1359/1179388 from European, Non-Finnish Population). This is higher than the ClinGen VHL VCEP threshold of >=0.000156 (0.0156%) threshold expected for VHL disease (BA1). Therefore this variant meets the criterion for (BA1) and is classified as Benign for autosomal-dominant von Hippel-Lindau disease (VHL disease) based on the ACMG/AMP criteria applied, as specified by the ClinGen VHL VCEP Version 1.0 (Specifications approval date: 02/26/2024. Variant Approval Date 06/25/2024).

Center for Genomic Medicine, Rigshospitalet, Copenhagen University Hospital
Classification: Benign for Neoplasm. Last evaluated: 2026-10-16. Review status: criteria provided, single submitter. Criteria: ClinGen/CGC/VICC Guidelines for Oncogenicity, 2022. Collection method: clinical testing. Allele origin: somatic. Affected: yes.

Labcorp Genetics (formerly Invitae), Labcorp
Classification: Benign for Von Hippel-Lindau syndrome; Chuvash polycythemia. Last evaluated: 2026-02-04. Review status: criteria provided, single submitter. Criteria: Invitae Variant Classification Sherloc (09022015). Collection method: clinical testing. Allele origin: germline. Not counted in ClinVar's aggregate classification.

Myriad Genetics, Inc.
Classification: Benign for Von Hippel-Lindau syndrome. Last evaluated: 2025-06-12. Review status: criteria provided, single submitter. Criteria: Myriad Autosomal Dominant, Autosomal Recessive and X-Linked Classification Criteria (2023). Collection method: clinical testing. Allele origin: unknown. Not counted in ClinVar's aggregate classification.
Comment: This variant is considered benign. This variant is intronic and is not expected to impact mRNA splicing. This variant has been observed at a population frequency that is significantly greater than expected given the associated disease prevalence and penetrance.

Center for Genomic Medicine, Rigshospitalet, Copenhagen University Hospital
Classification: Benign. Last evaluated: 2025-03-04. Review status: criteria provided, single submitter. Criteria: ACMG Guidelines, 2015. Collection method: clinical testing. Allele origin: germline. Not counted in ClinVar's aggregate classification.

Department of Pathology and Laboratory Medicine, Sinai Health System
Classification: Benign for von Hippel-Lindau disease. Last evaluated: 2024-12-30. Review status: criteria provided, single submitter. Criteria: ACMG Guidelines, 2015. Collection method: clinical testing. Allele origin: germline. Not counted in ClinVar's aggregate classification.

Blueprint Genetics
Classification: Likely benign. Last evaluated: 2024-09-20. Review status: criteria provided, single submitter. Criteria: ACMG Guidelines, 2015. Collection method: clinical testing. Allele origin: germline. Not counted in ClinVar's aggregate classification.

CeGaT Center for Human Genetics Tuebingen
Classification: Likely benign. Last evaluated: 2024-03-01. Review status: criteria provided, single submitter. Criteria: CeGaT Center For Human Genetics Tuebingen Variant Classification Criteria Version 2. Collection method: clinical testing. Allele origin: germline. Affected: yes. Observed: 5 variant alleles. Not counted in ClinVar's aggregate classification.
Comment: VHL: BP4

Quest Diagnostics Nichols Institute San Juan Capistrano
Classification: Benign. Last evaluated: 2023-03-30. Review status: criteria provided, single submitter. Criteria: Quest Diagnostics criteria. Collection method: clinical testing. Allele origin: unknown. Not counted in ClinVar's aggregate classification.
Comment: The frequency of this variant in the general population is higher than would generally be expected for pathogenic variants in this gene. Computational tools yielded predictions that this variant is unlikely to have an effect on normal RNA splicing. This nucleotide position exhibits low evolutionary conservation.

Institute for Clinical Genetics, University Hospital TU Dresden, University Hospital TU Dresden
Classification: Uncertain significance. Last evaluated: 2021-11-03. Review status: criteria provided, single submitter. Criteria: ACMG Guidelines, 2015. Collection method: clinical testing. Allele origin: germline. Not counted in ClinVar's aggregate classification.

Genetic Services Laboratory, University of Chicago
Classification: Likely benign. Last evaluated: 2021-08-06. Review status: criteria provided, single submitter. Criteria: ACMG Guidelines, 2015. Collection method: clinical testing. Allele origin: germline. Affected: no. Not counted in ClinVar's aggregate classification.

Ambry Genetics
Classification: Benign for Hereditary cancer-predisposing syndrome. Last evaluated: 2021-08-05. Review status: criteria provided, single submitter. Criteria: Ambry Variant Classification Scheme 2023. Collection method: clinical testing. Allele origin: germline. Not counted in ClinVar's aggregate classification.

Sema4
Classification: Likely benign for Hereditary cancer-predisposing syndrome. Last evaluated: 2021-02-21. Review status: criteria provided, single submitter. Criteria: Sema4 Curation Guidelines. Collection method: curation. Allele origin: germline. Not counted in ClinVar's aggregate classification.

Illumina Laboratory Services, Illumina
Classification: Uncertain significance for Von Hippel-Lindau syndrome. Last evaluated: 2018-08-08. Review status: criteria provided, single submitter. Criteria: ICSL Variant Classification Criteria 13 December 2019. Collection method: clinical testing. Allele origin: germline. Not counted in ClinVar's aggregate classification.
Comment: This variant was observed as part of a predisposition screen in an ostensibly healthy population. A literature search was performed for the gene, cDNA change, and amino acid change (where applicable). Publications were found based on this search. However, the evidence from the literature, in combination with allele frequency data from public databases where available, was not sufficient to rule this variant in or out of causing disease. Therefore, this variant is classified as a variant of unknown significance.

GeneDx
Classification: Likely benign. Last evaluated: 2017-11-01. Review status: criteria provided, single submitter. Criteria: GeneDx Variant Classification (06012015). Collection method: clinical testing. Allele origin: germline. Affected: yes. Not counted in ClinVar's aggregate classification.
Comment: This variant is considered likely benign or benign based on one or more of the following criteria: it is a conservative change, it occurs at a poorly conserved position in the protein, it is predicted to be benign by multiple in silico algorithms, and/or has population frequency not consistent with disease.

PreventionGenetics, part of Exact Sciences
Classification: Likely benign. Last evaluated: 2017-02-17. Review status: criteria provided, single submitter. Criteria: ACMG Guidelines, 2015. Collection method: clinical testing. Allele origin: germline. Not counted in ClinVar's aggregate classification.

Laboratory for Molecular Medicine, Mass General Brigham Personalized Medicine
Classification: Likely benign. Last evaluated: 2016-03-28. Review status: criteria provided, single submitter. Criteria: LMM Criteria. Collection method: clinical testing. Allele origin: germline. Not counted in ClinVar's aggregate classification.
Comment: Variant identified in a genome or exome case(s) and assessed due to predicted null impact of the variant or pathogenic assertions in the literature or databases. Disclaimer: This variant has not undergone full assessment. The following are preliminary notes: Outside splice consensus; 2 pubs in HGMD describe 1 proband with no segs

Vantari Genetics
Classification: Likely benign for Hereditary cancer-predisposing syndrome. Last evaluated: 2016-02-05. Review status: criteria provided, single submitter. Criteria: ACMG Guidelines, 2015. Collection method: clinical testing. Allele origin: germline. Not counted in ClinVar's aggregate classification.

NM_000551.4(VHL):c.463+8C>T

Genes: VHL (von Hippel-Lindau tumor suppressor; plus strand), LOC107303340 (3p25 von Hippel-Lindau tumor suppressor, E3 ubiquitin protein ligase Alu-mediated recombination region; plus strand). Cytogenetic location: 3p25.3.
Variant type: single nucleotide variant.
Coding change: c.463+8C>T on transcript NM_000551.4 (MANE Select); 8 bases into the intron after coding-DNA position 463, C replaced by T.
Molecular consequence: intron variant.
Genome position (GRCh38, 1-based): chr3:10,146,644, C>T. VCF-style: chr3-10146644-C-T. GRCh37 (hg19) VCF-style: chr3-10188328-C-T.
Other names: IVS2+8C>T; c.*18-3143C>T (NM_001354723.2); c.341-3143C>T (NM_198156.3).
Identifiers: ClinVar variation 127830 (VCV000127830.87), dbSNP rs5030834, ClinGen allele CA020379.
Genomic context (GRCh38, chr3:10,146,644, plus strand): 5'-GCCATCTCTCAATGTTGACGGACAGCCTATTTTTGCCAATATCACACTGCCAGGTACTGA[C>T]GTTTTACTTTTTAAAAAGATAAGGTTGTTGTGGTAAGTACAGGATAGACCACTTGAAAAA-3'